The following is an entry in ClinVar:

ClinVar aggregate classification (germline): Likely benign. Review status: criteria provided, multiple submitters, no conflicts (2 of 4 stars). 6 submissions from 6 submitters: Likely benign (6). Last evaluated 2026-01-25.

Conditions:
Hereditary cancer-predisposing syndrome. Also called: Hereditary neoplastic syndrome; Tumor predisposition; Neoplastic Syndromes, Hereditary; Hereditary Cancer Syndrome. Identifiers: Orphanet 140162, MedGen C0027672, MeSH D009386, MONDO:0015356.

Allele frequency attached by ClinVar (database versions not stated): TOPMed 0.00003; gnomAD 0.00005; gnomAD exomes 0.00005 and 0.00007; ExAC 0.00007.
gnomAD v4.1: 111 of 1,607,202 alleles (0.0069%); highest among the groups gnomAD compares: Non-Finnish European, 0.0087%; no homozygotes.

Submissions (6):

Labcorp Genetics (formerly Invitae), Labcorp
Classification: Likely benign. Last evaluated: 2026-01-25. Review status: criteria provided, single submitter. Criteria: Invitae Variant Classification Sherloc (09022015). Collection method: clinical testing. Allele origin: germline.

Blueprint Genetics
Classification: Likely benign. Last evaluated: 2022-12-23. Review status: criteria provided, single submitter. Criteria: ACMG Guidelines, 2015. Collection method: clinical testing. Allele origin: germline.

CeGaT Center for Human Genetics Tuebingen
Classification: Likely benign. Last evaluated: 2022-08-01. Review status: criteria provided, single submitter. Criteria: CeGaT Center For Human Genetics Tuebingen Variant Classification Criteria Version 2. Collection method: clinical testing. Allele origin: germline. Affected: yes. Observed: 2 variant alleles.
Comment: POLE: BP4, BP7

GeneDx
Classification: Likely benign. Last evaluated: 2021-06-11. Review status: criteria provided, single submitter. Criteria: GeneDx Variant Classification Process June 2021. Collection method: clinical testing. Allele origin: germline. Affected: yes.
Comment: This variant is associated with the following publications: (PMID: 27149842)

Sema4
Classification: Likely benign for Hereditary cancer-predisposing syndrome. Last evaluated: 2021-06-11. Review status: criteria provided, single submitter. Criteria: Sema4 Curation Guidelines. Collection method: curation. Allele origin: germline.

Ambry Genetics
Classification: Likely benign for Hereditary cancer-predisposing syndrome. Last evaluated: 2015-12-23. Review status: criteria provided, single submitter. Criteria: Ambry Variant Classification Scheme 2023. Collection method: clinical testing. Allele origin: germline.

NM_006231.4(POLE):c.5238C>T (p.Asn1746=)

Gene: POLE (DNA polymerase epsilon, catalytic subunit; minus strand). Cytogenetic location: 12q24.33.
Variant type: single nucleotide variant.
Coding change: c.5238C>T on transcript NM_006231.4 (MANE Select); coding-DNA position 5238, C replaced by T.
Protein change: p.Asn1746=; no amino-acid change (asparagine 1746 retained).
Molecular consequence: synonymous variant.
Genome position (GRCh38, 1-based): chr12:132,641,787, G>A on the plus strand (C>T on the coding strand, the complement: POLE is on the minus strand). VCF-style: chr12-132641787-G-A. GRCh37 (hg19) VCF-style: chr12-133218373-G-A.
Identifiers: ClinVar variation 473716 (VCV000473716.43), dbSNP rs200128464, ClinGen allele CA6892587.